The following is an entry in ClinVar:

ClinVar aggregate classification (germline): Conflicting classifications of pathogenicity. Review status: criteria provided, conflicting classifications (1 of 4 stars). 3 submissions from 3 submitters: Uncertain significance (2); Likely benign (1). Last evaluated 2024-10-16.

Allele frequency attached by ClinVar (database versions not stated): TOPMed below 0.00001; ExAC 0.00001; gnomAD 0.00001; gnomAD exomes 0.00001.
gnomAD v4.1: 16 of 1,614,124 alleles (0.00099%); highest among the groups gnomAD compares: East Asian, 0.0022%; no homozygotes.

Submissions (3):

GeneDx
Classification: Uncertain significance. Last evaluated: 2024-10-16. Review status: criteria provided, single submitter. Criteria: GeneDx Variant Classification Process June 2021. Collection method: clinical testing. Allele origin: germline. Affected: yes.
Comment: In silico analysis indicates that this missense variant does not alter protein structure/function; Has not been previously published as pathogenic or benign to our knowledge

Labcorp Genetics (formerly Invitae), Labcorp
Classification: Likely benign. Last evaluated: 2024-07-25. Review status: criteria provided, single submitter. Criteria: Invitae Variant Classification Sherloc (09022015). Collection method: clinical testing. Allele origin: germline.

Blueprint Genetics
Classification: Uncertain significance. Last evaluated: 2024-02-27. Review status: criteria provided, single submitter. Criteria: ACMG Guidelines, 2015. Collection method: clinical testing. Allele origin: germline.

NM_001844.5(COL2A1):c.4204G>A (p.Glu1402Lys)

Gene: COL2A1 (collagen type II alpha 1 chain; minus strand). Cytogenetic location: 12q13.11.
Variant type: single nucleotide variant.
Coding change: c.4204G>A on transcript NM_001844.5 (MANE Select); coding-DNA position 4204, G replaced by A.
Protein change: p.Glu1402Lys; replaces glutamic acid 1402 with lysine.
Molecular consequence: missense variant.
Genome position (GRCh38, 1-based): chr12:47,974,202, C>T on the plus strand (G>A on the coding strand, the complement: COL2A1 is on the minus strand). VCF-style: chr12-47974202-C-T. GRCh37 (hg19) VCF-style: chr12-48367985-C-T.
Other names: c.3997G>A, p.Glu1333Lys (NM_033150.3); short protein forms E1333K, E1402K.
Identifiers: ClinVar variation 1302718 (VCV001302718.11), dbSNP rs759583931, ClinGen allele CA6534519.
Genomic context (GRCh38, chr12:47,974,202, plus strand): 5'-GGATCTCCACGTCATTGGAGCCCTGGATGAGCAGGGCCTTCTTGAGGTTGCCAGCTGCTT[C>T]GTCCAGATAGGCAATGCTGTTCTTGCAGTGGTAGGTGATGTTCTGGGAGCCTTCCGTGGA-3'
Protein context (NP_001835.3, residues 1392-1412): HCKNSIAYLD[Glu1402Lys]AAGNLKKALL